The following is an entry in ClinVar:

NM_013339.4(ALG6):c.*961C>T

Gene: ALG6 (ALG6 alpha-1,3-glucosyltransferase; plus strand). Cytogenetic location: 1p31.3.
Variant type: single nucleotide variant.
Coding change: c.*961C>T on transcript NM_013339.4 (MANE Select); 961 bases downstream of the stop codon, C replaced by T.
Molecular consequence: 3 prime UTR variant.
Genome position (GRCh38, 1-based): chr1:63,437,981, C>T. VCF-style: chr1-63437981-C-T. GRCh37 (hg19) VCF-style: chr1-63903652-C-T.
Other names: c.*961C>T (LRG_1260t1).
Identifiers: ClinVar variation 297862 (VCV000297862.5), dbSNP rs144020923, ClinGen allele CA10610612.

ClinVar aggregate classification (germline): Likely benign (1 of 4 stars; one submission).

Conditions:
ALG6-congenital disorder of glycosylation 1C (CDG1C). Also called: CDG Ic; CARBOHYDRATE-DEFICIENT GLYCOPROTEIN SYNDROME, TYPE I, WITH DEFICIENT GLYCOSYLATION OF DOLICHOL-LINKED OLIGOSACCHARIDE; CARBOHYDRATE-DEFICIENT GLYCOPROTEIN SYNDROME, TYPE V; Congenital disorder of glycosylation type 1C; Congenital disorder of glycosylation, type Ic. Identifiers: Orphanet 79320, MedGen C2930997, MONDO:0011291, OMIM 603147.

Allele frequency attached by ClinVar (database versions not stated): gnomAD 0.00402 and 0.00415; TOPMed 0.00442; 1000 Genomes Project 0.00619; 1000 Genomes Project 30x 0.00640.

Submission:

Illumina Laboratory Services, Illumina
Classification: Likely benign for ALG6-congenital disorder of glycosylation 1C. Last evaluated: 2018-01-12. Review status: criteria provided, single submitter. Criteria: ICSL Variant Classification Criteria 13 December 2019. Collection method: clinical testing. Allele origin: germline.
Comment: This variant was observed in the ICSL laboratory as part of a predisposition screen in an ostensibly healthy population. It had not been previously curated by ICSL or reported in the Human Gene Mutation Database (HGMD: prior to June 1st, 2018), and was therefore a candidate for classification through an automated scoring system. Utilizing variant allele frequency, disease prevalence and penetrance estimates, and inheritance mode, an automated score was calculated to assess if this variant is too frequent to cause the disease. Based on the score and internal cut-off values, a variant classified as likely benign is not then subjected to further curation. The score for this variant resulted in a classification of likely benign for this disease.